The following is an entry in ClinVar:

NC_000013.10:g.(?_32900630)_(32900756_?)del

Gene: BRCA2 (BRCA2 DNA repair associated; plus strand). Cytogenetic location: 13q13.1.
Variant type: Deletion.
Identifiers: ClinVar variation 1072217 (VCV001072217.5).

ClinVar aggregate classification (germline): Pathogenic (1 of 4 stars; one submission).

Conditions:
Hereditary breast ovarian cancer syndrome. Also called: Hereditary breast and ovarian cancer syndrome (HBOC); Hereditary breast and/or ovarian cancer syndrome; Hereditary breast and ovarian cancer; BRCA1- and BRCA2-Associated Hereditary Breast and Ovarian Cancer; Hereditary breast and ovarian cancer syndrome; Breast and ovarian cancer. Identifiers: Orphanet 145, MedGen C0677776, MeSH D061325, MONDO:0003582. Disease mechanism: loss of function.

Submission:

Labcorp Genetics (formerly Invitae), Labcorp
Classification: Pathogenic for Hereditary breast ovarian cancer syndrome. Last evaluated: 2018-09-05. Review status: criteria provided, single submitter. Criteria: Invitae Variant Classification Sherloc (09022015). Collection method: clinical testing. Allele origin: germline.
Comment: This variant is a gross deletion of the genomic region encompassing most of exon 7 of the BRCA2 gene, including the exon 7-intron 7 boundary (c.518_631+462del). This likely creates a premature translational stop signal and is expected to result in an absent or disrupted protein product. For these reasons, this variant has been classified as Pathogenic. Loss-of-function variants in BRCA2 are known to be pathogenic (PMID: 20104584). While this variant has not been reported in the literature, several splice site variants affecting the donor splice site of intron 7 have been observed in individuals affected with FANCD1 as compound heterozygous with other pathogenic BRCA2 mutations (PMID: 24301060, 15645491, 15070707) as well as in a family with breast/ovarian cancer (PMID: 18821011).

Literature cited by the submitters: PubMed 20104584; PubMed 24301060; PubMed 15645491; PubMed 15070707; PubMed 18821011.